The following is an entry in ClinVar:

NM_002047.4(GARS1):c.764C>G (p.Ala255Gly)

Gene: GARS1 (glycyl-tRNA synthetase 1; plus strand). Cytogenetic location: 7p14.3.
Variant type: single nucleotide variant.
Coding change: c.764C>G on transcript NM_002047.4 (MANE Select); coding-DNA position 764, C replaced by G.
Protein change: p.Ala255Gly; replaces alanine 255 with glycine.
Molecular consequence: missense variant.
Genome position (GRCh38, 1-based): chr7:30,609,613, C>G. VCF-style: chr7-30609613-C-G. GRCh37 (hg19) VCF-style: chr7-30649229-C-G.
Other names: c.602C>G, p.Ala201Gly (NM_001316772.1); short protein forms A201G, A255G.
Identifiers: ClinVar variation 1799753 (VCV001799753.4), dbSNP rs765478968, ClinGen allele CA367124154.

ClinVar aggregate classification (germline): Uncertain significance. Review status: criteria provided, multiple submitters, no conflicts (2 of 4 stars). 2 submissions from 2 submitters: Uncertain significance (2). Last evaluated 2024-06-12.

Conditions:
Charcot-Marie-Tooth disease type 2. Also called: Charcot-Marie-Tooth type 2. Identifiers: Orphanet 64746, MedGen C0270914, MONDO:0018993.

gnomAD v4.1: 1 of 1,613,076 alleles (0.000062%); highest among the groups gnomAD compares: Non-Finnish European, 0.000085%; no homozygotes.

Submissions (2):

Labcorp Genetics (formerly Invitae), Labcorp
Classification: Uncertain significance for Charcot-Marie-Tooth disease type 2. Last evaluated: 2024-06-12. Review status: criteria provided, single submitter. Criteria: Invitae Variant Classification Sherloc (09022015). Collection method: clinical testing. Allele origin: germline.
Comment: This sequence change replaces alanine, which is neutral and non-polar, with glycine, which is neutral and non-polar, at codon 255 of the GARS protein (p.Ala255Gly). This variant is not present in population databases (gnomAD no frequency). This variant has not been reported in the literature in individuals affected with GARS-related conditions. ClinVar contains an entry for this variant (Variation ID: 1799753). Advanced modeling of protein sequence and biophysical properties (such as structural, functional, and spatial information, amino acid conservation, physicochemical variation, residue mobility, and thermodynamic stability) performed at Invitae indicates that this missense variant is not expected to disrupt GARS protein function with a negative predictive value of 95%. In summary, the available evidence is currently insufficient to determine the role of this variant in disease. Therefore, it has been classified as a Variant of Uncertain Significance.

Ambry Genetics
Classification: Uncertain significance. Last evaluated: 2021-02-09. Review status: criteria provided, single submitter. Criteria: Ambry Variant Classification Scheme 2023. Collection method: clinical testing. Allele origin: germline.
Comment: The p.A255G variant (also known as c.764C>G), located in coding exon 7 of the GARS gene, results from a C to G substitution at nucleotide position 764. The alanine at codon 255 is replaced by glycine, an amino acid with similar properties. This amino acid position is poorly conserved in available vertebrate species, and glycine is the reference amino acid in other vertebrate species. In addition, this alteration is predicted to be tolerated by in silico analysis. Since supporting evidence is limited at this time, the clinical significance of this alteration remains unclear.